The following is an entry in ClinVar:

NM_002439.5(MSH3):c.2048A>T (p.Glu683Val)

Gene: MSH3 (mutS homolog 3; plus strand). Cytogenetic location: 5q14.1.
Variant type: single nucleotide variant.
Coding change: c.2048A>T on transcript NM_002439.5 (MANE Select); coding-DNA position 2048, A replaced by T.
Protein change: p.Glu683Val; replaces glutamic acid 683 with valine.
Molecular consequence: missense variant.
Genome position (GRCh38, 1-based): chr5:80,768,084, A>T. VCF-style: chr5-80768084-A-T. GRCh37 (hg19) VCF-style: chr5-80063903-A-T.
Other names: short protein forms E683V.
Identifiers: ClinVar variation 642822 (VCV000642822.17), dbSNP rs778485136, ClinGen allele CA3328118.
Genomic context (GRCh38, chr5:80,768,084, plus strand): 5'-TTCAGTCAGACTTGCTCCGGACCGTTATTTTAGAAATTCCTGAACTCCTCAGTCCAGTGG[A>T]GCATTACTTAAAGATACTCAATGAACAAGCTGCCAAGTAAGTACCAGACCCTGAATTCTT-3'
Protein context (NP_002430.3, residues 673-693): LEIPELLSPV[Glu683Val]HYLKILNEQA

ClinVar aggregate classification (germline): Uncertain significance. Review status: criteria provided, multiple submitters, no conflicts (2 of 4 stars). 6 submissions from 6 submitters: Uncertain significance (6). Last evaluated 2026-10-01.

Conditions:
Hereditary cancer-predisposing syndrome. Also called: Hereditary Cancer Syndrome; Neoplastic Syndromes, Hereditary; Tumor predisposition; Hereditary neoplastic syndrome. Identifiers: Orphanet 140162, MedGen C0027672, MeSH D009386, MONDO:0015356.
Endometrial carcinoma. Also called: Endometrial carcinoma, somatic. Identifiers: MedGen C0476089, MONDO:0002447, OMIM 608089, HP:0012114.
Familial adenomatous polyposis 4 (FAP4). Also called: MSH3-related attenuated familial adenomatous polyposis. Identifiers: Orphanet 480536, MedGen C4310719, MONDO:0044300, OMIM 617100.

Allele frequency attached by ClinVar (database versions not stated): gnomAD exomes below 0.00001 and 0.00001; ExAC 0.00001; TOPMed 0.00001.
gnomAD v4.1: 5 of 1,613,738 alleles (0.00031%); highest among the groups gnomAD compares: Admixed American, 0.0083%; no homozygotes.

Submissions (6):

St. Jude Molecular Pathology, St. Jude Children's Research Hospital
Classification: Uncertain significance for Familial adenomatous polyposis 4. Last evaluated: 2026-10-01. Review status: criteria provided, single submitter. Criteria: St. Jude Assertion Criteria 2020. Collection method: clinical testing. Allele origin: germline.
Comment: The MSH3 c.2048A>T p.(Glu683Val) missense change has a maximum subpopulation frequency of 0.003% in gnomAD v2.1.1. The in silico tool REVEL is inconclusive ab out a pathogenic or benign effect of this variant on protein function, and to our knowledge functional studies have not been performed. To our knowledge, this variant has not been reported in individuals with MSH3-associated polyposis syndrome. In summar y, the evidence currently available is insufficient to determine the clinical significance of this variant. It has therefore been classified as of uncertain significance.

Labcorp Genetics (formerly Invitae), Labcorp
Classification: Uncertain significance. Last evaluated: 2025-07-30. Review status: criteria provided, single submitter. Criteria: Invitae Variant Classification Sherloc (09022015). Collection method: clinical testing. Allele origin: germline.
Comment: This sequence change replaces glutamic acid, which is acidic and polar, with valine, which is neutral and non-polar, at codon 683 of the MSH3 protein (p.Glu683Val). This variant is present in population databases (rs778485136, gnomAD 0.003%). This variant has not been reported in the literature in individuals affected with MSH3-related conditions. ClinVar contains an entry for this variant (Variation ID: 642822). An algorithm developed to predict the effect of missense changes on protein structure and function (PolyPhen-2) suggests that this variant is likely to be disruptive. In summary, the available evidence is currently insufficient to determine the role of this variant in disease. Therefore, it has been classified as a Variant of Uncertain Significance.

Ambry Genetics
Classification: Uncertain significance for Hereditary cancer-predisposing syndrome. Last evaluated: 2025-03-18. Review status: criteria provided, single submitter. Criteria: Ambry Variant Classification Scheme 2023. Collection method: clinical testing. Allele origin: germline.

GeneDx
Classification: Uncertain significance. Last evaluated: 2024-08-07. Review status: criteria provided, single submitter. Criteria: GeneDx Variant Classification Process June 2021. Collection method: clinical testing. Allele origin: germline. Affected: yes.
Comment: Not observed at significant frequency in large population cohorts (gnomAD); In silico analysis indicates that this missense variant does not alter protein structure/function; Has not been previously published as pathogenic or benign to our knowledge

Baylor Genetics
Classification: Uncertain significance for Endometrial carcinoma. Last evaluated: 2024-02-22. Review status: criteria provided, single submitter. Criteria: ACMG Guidelines, 2015. Collection method: clinical testing. Allele origin: unknown.

Quest Diagnostics Nichols Institute San Juan Capistrano
Classification: Uncertain significance. Last evaluated: 2023-10-31. Review status: criteria provided, single submitter. Criteria: Quest Diagnostics criteria. Collection method: clinical testing. Allele origin: unknown.
Comment: The MSH3 c.2048A>T (p.Glu683Val) variant has not been reported in individuals with MSH3-related conditions in the published literature. The frequency of this variant in the general population, 0.000004 (1/251136 chromosomes (Genome Aggregation Database)), is uninformative in the assessment of its pathogenicity. Analysis of this variant using bioinformatics tools for the prediction of the effect of amino acid changes on protein structure and function yielded conflicting predictions that this variant is benign or damaging. Based on the available information, we are unable to determine the clinical significance of this variant.